The following is an entry in ClinVar:

NM_177438.3(DICER1):c.4264G>A (p.Glu1422Lys)

Gene: DICER1 (dicer 1, ribonuclease III; minus strand). Cytogenetic location: 14q32.13.
Variant type: single nucleotide variant.
Coding change: c.4264G>A on transcript NM_177438.3 (MANE Select); coding-DNA position 4264, G replaced by A.
Protein change: p.Glu1422Lys; replaces glutamic acid 1422 with lysine.
Molecular consequence: missense variant. On other transcripts: non-coding transcript variant (6).
Genome position (GRCh38, 1-based): chr14:95,096,656, C>T on the plus strand (G>A on the coding strand, the complement: DICER1 is on the minus strand). VCF-style: chr14-95096656-C-T. GRCh37 (hg19) VCF-style: chr14-95562993-C-T.
Other names: c.4264G>A, p.Glu1422Lys (NM_001195573.1, NM_001271282.3, NM_001291628.2 and 12 more transcripts); c.3982G>A, p.Glu1328Lys (NM_001395686.1); c.3859G>A, p.Glu1287Lys (NM_001395687.1, NM_001395688.1, NM_001395689.1 and 2 more transcripts); c.3697G>A, p.Glu1233Lys (NM_001395691.1); c.2581G>A, p.Glu861Lys (NM_001395697.1); short protein forms E1233K, E1287K, E1328K, E1422K, E861K.
Identifiers: ClinVar variation 3272005 (VCV003272005.1).

ClinVar aggregate classification (germline): Uncertain significance (1 of 4 stars; one submission).

Conditions:
Hereditary cancer-predisposing syndrome. Also called: Tumor predisposition; Hereditary Cancer Syndrome; Hereditary neoplastic syndrome; Neoplastic Syndromes, Hereditary. Identifiers: Orphanet 140162, MedGen C0027672, MeSH D009386, MONDO:0015356.

Submission:

Ambry Genetics
Classification: Uncertain significance for Hereditary cancer-predisposing syndrome. Last evaluated: 2024-04-15. Review status: criteria provided, single submitter. Criteria: Ambry Variant Classification Scheme 2023. Collection method: clinical testing. Allele origin: germline.
Comment: The p.E1422K variant (also known as c.4264G>A), located in coding exon 22 of the DICER1 gene, results from a G to A substitution at nucleotide position 4264. The glutamic acid at codon 1422 is replaced by lysine, an amino acid with similar properties. This amino acid position is conserved. In addition, the in silico prediction for this alteration is inconclusive. Based on the available evidence, the clinical significance of this variant remains unclear.